The following is an entry in ClinVar:

ClinVar aggregate classification (germline): Likely benign (1 of 4 stars; one submission).

Allele frequency attached by ClinVar (database versions not stated): TOPMed 0.00001; gnomAD exomes 0.00002; ExAC 0.00006.

Submission:

CeGaT Center for Human Genetics Tuebingen
Classification: Likely benign. Last evaluated: 2023-03-01. Review status: criteria provided, single submitter. Criteria: CeGaT Center For Human Genetics Tuebingen Variant Classification Criteria Version 2. Collection method: clinical testing. Allele origin: germline. Affected: yes. Observed: 2 variant alleles.
Comment: AMMECR1: BP4, BP7, BS2

NM_015365.3(AMMECR1):c.957A>G (p.Gln319=)

Gene: AMMECR1 (AMMECR nuclear protein 1; minus strand). Cytogenetic location: Xq23.
Variant type: single nucleotide variant.
Coding change: c.957A>G on transcript NM_015365.3 (MANE Select); coding-DNA position 957, A replaced by G.
Protein change: p.Gln319=; no amino-acid change (glutamine 319 retained).
Molecular consequence: synonymous variant.
Genome position (GRCh38, 1-based): chrX:110,198,565, T>C on the plus strand (A>G on the coding strand, the complement: AMMECR1 is on the minus strand). VCF-style: chrX-110198565-T-C. GRCh37 (hg19) VCF-style: chrX-109441793-T-C.
Other names: c.846A>G, p.Gln282= (NM_001025580.2); c.588A>G, p.Gln196= (NM_001171689.2).
Identifiers: ClinVar variation 2661190 (VCV002661190.24), dbSNP rs765118261, ClinGen allele CA10491458.